The following is an entry in ClinVar:

ClinVar aggregate classification (germline): Uncertain significance (1 of 4 stars; one submission).

Conditions:
Multiple endocrine neoplasia, type 2 (MEN2). Identifiers: Orphanet 653, MedGen C4048306, MONDO:0019003. Disease mechanism: gain of function.

Submission:

Labcorp Genetics (formerly Invitae), Labcorp
Classification: Uncertain significance for Multiple endocrine neoplasia, type 2. Last evaluated: 2022-10-12. Review status: criteria provided, single submitter. Criteria: Invitae Variant Classification Sherloc (09022015). Collection method: clinical testing. Allele origin: germline.
Comment: In summary, the available evidence is currently insufficient to determine the role of this variant in disease. Therefore, it has been classified as a Variant of Uncertain Significance. Algorithms developed to predict the effect of missense changes on protein structure and function are either unavailable or do not agree on the potential impact of this missense change (SIFT: "Tolerated"; PolyPhen-2: "Probably Damaging"; Align-GVGD: "Class C0"). This variant has not been reported in the literature in individuals affected with RET-related conditions. This variant is not present in population databases (gnomAD no frequency). This sequence change replaces alanine, which is neutral and non-polar, with glutamic acid, which is acidic and polar, at codon 301 of the RET protein (p.Ala301Glu).

NM_020975.6(RET):c.902C>A (p.Ala301Glu)

Gene: RET (ret proto-oncogene; plus strand). Cytogenetic location: 10q11.21.
Variant type: single nucleotide variant.
Coding change: c.902C>A on transcript NM_020975.6 (MANE Select); coding-DNA position 902, C replaced by A.
Protein change: p.Ala301Glu; replaces alanine 301 with glutamic acid.
Molecular consequence: missense variant.
Genome position (GRCh38, 1-based): chr10:43,106,410, C>A. VCF-style: chr10-43106410-C-A. GRCh37 (hg19) VCF-style: chr10-43601858-C-A.
Other names: c.773C>A, p.Ala258Glu (NM_001406762.1, NM_001406764.1, NM_001406768.1 and 1 more transcripts); c.902C>A, p.Ala301Glu (NM_001406763.1, NM_001406765.1, NM_020629.2 and 6 more transcripts); c.614C>A, p.Ala205Glu (NM_001406766.1, NM_001406767.1, NM_001406770.1); c.140C>A, p.Ala47Glu (NM_001355216.2); short protein forms A205E, A258E, A301E, A47E.
Identifiers: ClinVar variation 1721457 (VCV001721457.5), dbSNP rs2538402857, ClinGen allele CA376545792.